The following is an entry in ClinVar:

NM_033343.4(LHX4):c.1052C>T (p.Thr351Met)

Genes: LHX4 (LIM homeobox 4; plus strand), LHX4-AS1 (LHX4 antisense RNA 1; minus strand), ACBD6 (acyl-CoA binding domain containing 6; minus strand). Cytogenetic location: 1q25.2.
Variant type: single nucleotide variant.
Coding change: c.1052C>T on transcript NM_033343.4 (MANE Select); coding-DNA position 1052, C replaced by T.
Protein change: p.Thr351Met; replaces threonine 351 with methionine.
Molecular consequence: missense variant.
Genome position (GRCh38, 1-based): chr1:180,274,458, C>T. VCF-style: chr1-180274458-C-T. GRCh37 (hg19) VCF-style: chr1-180243593-C-T.
Other names: short protein forms T351M.
Identifiers: ClinVar variation 441033 (VCV000441033.7), dbSNP rs200119009, ClinGen allele CA1272076.
Genomic context (GRCh38, chr1:180,274,458, plus strand): 5'-ATTACACGGTGGACAGTAATTTGGGCATCATTGCGCATGCAGGGCAGGGAGTAAGCCAGA[C>T]GCTGAGAGCCATGGCTGGGGGACCCACCTCTGACATCTCCACAGGAAGCAGTGTAGGCTA-3'
Protein context (NP_203129.1, residues 341-361): IAHAGQGVSQ[Thr351Met]LRAMAGGPTS

ClinVar aggregate classification (germline): Uncertain significance (1 of 4 stars; one submission).

Conditions:
Short stature-pituitary and cerebellar defects-small sella turcica syndrome (CPHD4). Also called: Pituitary hormone deficiency, combined with or without cerebellar defects; Short stature, pituitary and cerebellar defects and small sella turcica. Identifiers: Orphanet 85442, MedGen C2678408, MONDO:0009880, OMIM 262700.

Allele frequency attached by ClinVar (database versions not stated): ESP Exome Variant Server 0.00015; TOPMed 0.00017; gnomAD 0.00019; 1000 Genomes Project 0.00020; ExAC 0.00020; gnomAD exomes 0.00021; 1000 Genomes Project 30x 0.00031.
gnomAD v4.1: 240 of 1,614,196 alleles (0.015%); highest among the groups gnomAD compares: South Asian, 0.066%; no homozygotes.

Submission:

Labcorp Genetics (formerly Invitae), Labcorp
Classification: Uncertain significance. Last evaluated: 2025-09-10. Review status: criteria provided, single submitter. Criteria: Invitae Variant Classification Sherloc (09022015). Collection method: clinical testing. Allele origin: germline.
Comment: This sequence change replaces threonine, which is neutral and polar, with methionine, which is neutral and non-polar, at codon 351 of the LHX4 protein (p.Thr351Met). This variant is present in population databases (rs200119009, gnomAD 0.07%), and has an allele count higher than expected for a pathogenic variant. This variant has not been reported in the literature in individuals affected with LHX4-related conditions. ClinVar contains an entry for this variant (Variation ID: 441033). An algorithm developed to predict the effect of missense changes on protein structure and function (PolyPhen-2) suggests that this variant is likely to be tolerated. In summary, the available evidence is currently insufficient to determine the role of this variant in disease. Therefore, it has been classified as a Variant of Uncertain Significance.